The following is an entry in ClinVar:

NM_004369.4(COL6A3):c.3991C>T (p.Arg1331Cys)

Gene: COL6A3 (collagen type VI alpha 3 chain; minus strand). Cytogenetic location: 2q37.3.
Variant type: single nucleotide variant.
Coding change: c.3991C>T on transcript NM_004369.4 (MANE Select); coding-DNA position 3991, C replaced by T.
Protein change: p.Arg1331Cys; replaces arginine 1331 with cysteine.
Molecular consequence: missense variant.
Genome position (GRCh38, 1-based): chr2:237,372,026, G>A on the plus strand (C>T on the coding strand, the complement: COL6A3 is on the minus strand). VCF-style: chr2-237372026-G-A. GRCh37 (hg19) VCF-style: chr2-238280669-G-A.
Other names: c.3991C>T (NM_004369.3); c.2770C>T, p.Arg924Cys (NM_057164.5); c.3373C>T, p.Arg1125Cys (NM_057165.5, NM_057167.4); c.2170C>T, p.Arg724Cys (NM_057166.5); short protein forms R1331C, R1125C, R724C, R924C.
Identifiers: ClinVar variation 596376 (VCV000596376.16), dbSNP rs750341446, ClinGen allele CA2189027.

ClinVar aggregate classification (germline): Uncertain significance. Review status: criteria provided, multiple submitters, no conflicts (2 of 4 stars). 3 submissions from 3 submitters: Uncertain significance (3). Last evaluated 2024-10-07.

Conditions:
Bethlem myopathy 1A. Also called: Bethlem Muscular Dystrophy; Bethlem myopathy 1; MYOPATHY, BENIGN CONGENITAL, WITH CONTRACTURES. Identifiers: Orphanet 610, MedGen CN029274, MONDO:0024530, OMIM 158810.

Allele frequency attached by ClinVar (database versions not stated): ExAC 0.00001; TOPMed 0.00002.
gnomAD v4.1: 9 of 1,613,938 alleles (0.00056%); highest among the groups gnomAD compares: East Asian, 0.0022%; no homozygotes.

Submissions (3):

Labcorp Genetics (formerly Invitae), Labcorp
Classification: Uncertain significance for Bethlem myopathy 1A. Last evaluated: 2024-10-07. Review status: criteria provided, single submitter. Criteria: Invitae Variant Classification Sherloc (09022015). Collection method: clinical testing. Allele origin: germline.
Comment: This sequence change replaces arginine, which is basic and polar, with cysteine, which is neutral and slightly polar, at codon 1331 of the COL6A3 protein (p.Arg1331Cys). This variant is present in population databases (rs750341446, gnomAD 0.003%). This variant has not been reported in the literature in individuals affected with COL6A3-related conditions. ClinVar contains an entry for this variant (Variation ID: 596376). Invitae Evidence Modeling of protein sequence and biophysical properties (such as structural, functional, and spatial information, amino acid conservation, physicochemical variation, residue mobility, and thermodynamic stability) indicates that this missense variant is expected to disrupt COL6A3 protein function with a positive predictive value of 80%. In summary, the available evidence is currently insufficient to determine the role of this variant in disease. Therefore, it has been classified as a Variant of Uncertain Significance.

Revvity Omics, Revvity
Classification: Uncertain significance. Last evaluated: 2020-09-29. Review status: criteria provided, single submitter. Criteria: ACMG Guidelines, 2015. Collection method: clinical testing. Allele origin: germline.

Eurofins Ntd Llc (ga)
Classification: Uncertain significance. Last evaluated: 2018-03-27. Review status: criteria provided, single submitter. Criteria: EGL ClinVar v180209 classification definitions. Collection method: clinical testing. Allele origin: germline. Observed: 1 variant allele, 1 heterozygote.